The following is an entry in ClinVar:

ClinVar aggregate classification (germline): Pathogenic (1 of 4 stars; one submission).

Submission:

GeneDx
Classification: Pathogenic. Last evaluated: 2015-03-31. Review status: criteria provided, single submitter. Criteria: GeneDx Variant Classification (06012015). Collection method: clinical testing. Allele origin: germline. Affected: yes.
Comment: The Y1981N variant in the TECTA gene has not been reported previously as a pathogenic variantnor as a benign polymorphism, to our knowledge. The Y1981N variant was not observed inapproximately 6,500 individuals of European and African American ancestry in the NHLBI ExomeSequencing Project, indicating it is not a common benign variant in these populations. The Y1981Nvariant is a semi-conservative amino acid substitution, which may impact secondary protein structure asthese residues differ in some properties. This substitution occurs at a position that is conserved throughmammals. In silico analysis predicts this substitution is probably damaging to the protein structure/function. Inaddition, a missense variant in an adjacent residue (A1982D) has been reported in the Human GeneMutation Database in association with hearing impairment (Stenson et al., 2014), supporting the functionalimportance of this region of the protein. We interpret Y1981N as a pathogenic variant.

NM_005422.4(TECTA):c.5941T>A (p.Tyr1981Asn)

Genes: TBCEL-TECTA (TBCEL-TECTA readthrough; plus strand), TECTA (tectorin alpha; plus strand). Cytogenetic location: 11q23.3.
Variant type: single nucleotide variant.
Coding change: c.5941T>A on transcript NM_005422.4 (MANE Select); coding-DNA position 5941, T replaced by A.
Protein change: p.Tyr1981Asn; replaces tyrosine 1981 with asparagine.
Molecular consequence: missense variant.
Genome position (GRCh38, 1-based): chr11:121,168,867, T>A. VCF-style: chr11-121168867-T-A. GRCh37 (hg19) VCF-style: chr11-121039576-T-A.
Other names: c.6883T>A, p.Tyr2295Asn (NM_001378761.1); short protein forms Y1981N, Y2295N.
Identifiers: ClinVar variation 379299 (VCV000379299.2), dbSNP rs1057520561, ClinGen allele CA16605870.